The following is an entry in ClinVar:

NM_005732.4(RAD50):c.1285A>G (p.Ile429Val)

Gene: RAD50 (RAD50 double strand break repair protein; plus strand). Cytogenetic location: 5q31.1.
Variant type: single nucleotide variant.
Coding change: c.1285A>G on transcript NM_005732.4 (MANE Select); coding-DNA position 1285, A replaced by G.
Protein change: p.Ile429Val; replaces isoleucine 429 with valine.
Molecular consequence: missense variant.
Genome position (GRCh38, 1-based): chr5:132,589,670, A>G. VCF-style: chr5-132589670-A-G. GRCh37 (hg19) VCF-style: chr5-131925362-A-G.
Other names: short protein forms I429V.
Identifiers: ClinVar variation 527352 (VCV000527352.15), dbSNP rs1300031491, ClinGen allele CA360943664.
Genomic context (GRCh38, chr5:132,589,670, plus strand): 5'-ATTCTTTACATATGCATTTAGAATGACTTTGCAGAAAAAGAGACTCTGAAACAAAAACAG[A>G]TAGATGAGATAAGAGATAAGAAAACTGGACTGGGAAGAATAATTGAGTTAAAATCAGAAA-3'
Protein context (NP_005723.2, residues 419-439): AEKETLKQKQ[Ile429Val]DEIRDKKTGL

ClinVar aggregate classification (germline): Uncertain significance. Review status: criteria provided, multiple submitters, no conflicts (2 of 4 stars). 2 submissions from 2 submitters: Uncertain significance (2). Last evaluated 2025-05-02.

Conditions:
Hereditary cancer-predisposing syndrome. Also called: Neoplastic Syndromes, Hereditary; Tumor predisposition; Hereditary Cancer Syndrome; Hereditary neoplastic syndrome. Identifiers: Orphanet 140162, MedGen C0027672, MeSH D009386, MONDO:0015356.

gnomAD v4.1: 1 of 1,607,780 alleles (0.000062%); highest among the groups gnomAD compares: Non-Finnish European, 0.000085%; no homozygotes.

Submissions (2):

Ambry Genetics
Classification: Uncertain significance for Hereditary cancer-predisposing syndrome. Last evaluated: 2025-05-02. Review status: criteria provided, single submitter. Criteria: Ambry Variant Classification Scheme 2023. Collection method: clinical testing. Allele origin: germline.
Comment: The p.I429V variant (also known as c.1285A>G), located in coding exon 9 of the RAD50 gene, results from an A to G substitution at nucleotide position 1285. The isoleucine at codon 429 is replaced by valine, an amino acid with highly similar properties. This amino acid position is well conserved in available vertebrate species. In addition, this alteration is predicted to be tolerated by in silico analysis. Since supporting evidence is limited at this time, the clinical significance of this alteration remains unclear.

Labcorp Genetics (formerly Invitae), Labcorp
Classification: Uncertain significance for Hereditary cancer-predisposing syndrome. Last evaluated: 2024-03-06. Review status: criteria provided, single submitter. Criteria: Invitae Variant Classification Sherloc (09022015). Collection method: clinical testing. Allele origin: germline.
Comment: This sequence change replaces isoleucine, which is neutral and non-polar, with valine, which is neutral and non-polar, at codon 429 of the RAD50 protein (p.Ile429Val). This variant is not present in population databases (gnomAD no frequency). This variant has not been reported in the literature in individuals affected with RAD50-related conditions. ClinVar contains an entry for this variant (Variation ID: 527352). Advanced modeling of protein sequence and biophysical properties (such as structural, functional, and spatial information, amino acid conservation, physicochemical variation, residue mobility, and thermodynamic stability) performed at Invitae indicates that this missense variant is not expected to disrupt RAD50 protein function with a negative predictive value of 80%. In summary, the available evidence is currently insufficient to determine the role of this variant in disease. Therefore, it has been classified as a Variant of Uncertain Significance.